The following is an entry in ClinVar:

ClinVar aggregate classification (germline): Likely pathogenic (1 of 4 stars; one submission).

Conditions:
Alstrom syndrome (ALMS). Identifiers: Orphanet 64, MedGen C0268425, MONDO:0008763, OMIM 203800.

Submission:

Labcorp Genetics (formerly Invitae), Labcorp
Classification: Likely pathogenic for Alstrom syndrome. Last evaluated: 2018-08-26. Review status: criteria provided, single submitter. Criteria: Invitae Variant Classification Sherloc (09022015). Collection method: clinical testing. Allele origin: germline.
Comment: Donor and acceptor splice site variants typically lead to a loss of protein function (PMID: 16199547), and loss-of-function variants in ALMS1 are known to be pathogenic (PMID: 17594715). This sequence change affects a donor splice site in intron 3 of the ALMS1 gene. It is expected to disrupt RNA splicing and likely results in an absent or disrupted protein product. This variant is not present in population databases (ExAC no frequency). This variant has not been reported in the literature in individuals with ALMS1-related disease. Algorithms developed to predict the effect of sequence changes on RNA splicing suggest that this variant may disrupt the consensus splice site, but this prediction has not been confirmed by published transcriptional studies. In summary, the currently available evidence indicates that the variant is pathogenic, but additional data are needed to prove that conclusively. Therefore, this variant has been classified as Likely Pathogenic.

Literature cited by the submitters: PubMed 16199547; PubMed 17594715.

NM_001378454.1(ALMS1):c.646+2T>C

Gene: ALMS1 (ALMS1 centrosome and basal body associated protein; plus strand). Cytogenetic location: 2p13.1.
Variant type: single nucleotide variant.
Coding change: c.646+2T>C on transcript NM_001378454.1 (MANE Select); the canonical splice donor site of the intron after coding-DNA position 646, T replaced by C.
Molecular consequence: splice donor variant.
Genome position (GRCh38, 1-based): chr2:73,419,320, T>C. VCF-style: chr2-73419320-T-C. GRCh37 (hg19) VCF-style: chr2-73646448-T-C.
Other names: c.649+2T>C (NM_015120.4); c.646+2T>C (NM_015120.4).
Identifiers: ClinVar variation 660041 (VCV000660041.7), dbSNP rs1572911143, ClinGen allele CA347259459.